The following is an entry in ClinVar:

NM_000171.4(GLRA1):c.872T>C (p.Met291Thr)

Gene: GLRA1 (glycine receptor alpha 1; minus strand). Cytogenetic location: 5q33.1.
Variant type: single nucleotide variant.
Coding change: c.872T>C on transcript NM_000171.4 (MANE Select); coding-DNA position 872, T replaced by C.
Protein change: p.Met291Thr; replaces methionine 291 with threonine.
Molecular consequence: missense variant.
Genome position (GRCh38, 1-based): chr5:151,851,430, A>G on the plus strand (T>C on the coding strand, the complement: GLRA1 is on the minus strand). VCF-style: chr5-151851430-A-G. GRCh37 (hg19) VCF-style: chr5-151230991-A-G.
Other names: c.872T>C, p.Met291Thr (NM_001146040.2); c.623T>C, p.Met208Thr (NM_001292000.2); short protein forms M208T, M291T.
Identifiers: ClinVar variation 963825 (VCV000963825.9), dbSNP rs1314623901, ClinGen allele CA361837427.

ClinVar aggregate classification (germline): Uncertain significance (1 of 4 stars; one submission).

Conditions:
Hereditary hyperekplexia. Identifiers: Orphanet 3197, MedGen C4084968, MONDO:0021022.

Allele frequency attached by ClinVar (database versions not stated): gnomAD 0.00001; gnomAD exomes 0.00001; TOPMed 0.00002.

Submission:

Labcorp Genetics (formerly Invitae), Labcorp
Classification: Uncertain significance for Hereditary hyperekplexia. Last evaluated: 2019-08-14. Review status: criteria provided, single submitter. Criteria: Invitae Variant Classification Sherloc (09022015). Collection method: clinical testing. Allele origin: germline.
Comment: This sequence change replaces methionine with threonine at codon 291 of the GLRA1 protein (p.Met291Thr). The methionine residue is highly conserved and there is a moderate physicochemical difference between methionine and threonine. This variant is not present in population databases (ExAC no frequency). This variant has not been reported in the literature in individuals with GLRA1-related conditions. Algorithms developed to predict the effect of missense changes on protein structure and function (SIFT, PolyPhen-2, Align-GVGD) all suggest that this variant is likely to be disruptive, but these predictions have not been confirmed by published functional studies and their clinical significance is uncertain. In summary, the available evidence is currently insufficient to determine the role of this variant in disease. Therefore, it has been classified as a Variant of Uncertain Significance.